The following is an entry in ClinVar:

NM_000135.4(FANCA):c.2195C>T (p.Ala732Val)

Gene: FANCA (FA complementation group A; minus strand). Cytogenetic location: 16q24.3.
Variant type: single nucleotide variant.
Coding change: c.2195C>T on transcript NM_000135.4 (MANE Select); coding-DNA position 2195, C replaced by T.
Protein change: p.Ala732Val; replaces alanine 732 with valine.
Molecular consequence: missense variant.
Genome position (GRCh38, 1-based): chr16:89,770,591, G>A on the plus strand (C>T on the coding strand, the complement: FANCA is on the minus strand). VCF-style: chr16-89770591-G-A. GRCh37 (hg19) VCF-style: chr16-89836999-G-A.
Other names: c.2195C>T, p.Ala732Val (NM_001286167.3); short protein forms A732V.
Identifiers: ClinVar variation 4826923 (VCV004826923.1).
Genomic context (GRCh38, chr16:89,770,591, plus strand): 5'-CCCCACCACTCAGGGAGCTGCCCGCGCCTTCACCTCTCCGGGGGAGCGACACTGGAGGCA[G>A]CCATCAGGTTCTGACAGAAAGACGTCAGCAGGAGGTCCACAGCCTGCAGAGACACAGTTC-3'
Protein context (NP_000126.2, residues 722-742): LLTSFCQNLM[Ala732Val]ASSVAPPERQ

ClinVar aggregate classification (germline): Uncertain significance (1 of 4 stars; one submission).

Conditions:
Inborn genetic diseases. Identifiers: MedGen C0950123, MeSH D030342.

gnomAD v4.1: 1 of 1,611,744 alleles (0.000062%); highest among the groups gnomAD compares: South Asian, 0.0011%; no homozygotes.

Submission:

Ambry Genetics
Classification: Uncertain significance for Inborn genetic diseases. Last evaluated: 2026-03-11. Review status: criteria provided, single submitter. Criteria: Ambry Variant Classification Scheme 2023. Collection method: clinical testing. Allele origin: germline.
Comment: The p.A732V variant (also known as c.2195C>T), located in coding exon 24 of the FANCA gene, results from a C to T substitution at nucleotide position 2195. The alanine at codon 732 is replaced by valine, an amino acid with similar properties. This amino acid position is conserved. In addition, this alteration is predicted to be tolerated by in silico analysis. Based on the available evidence, the clinical significance of this variant remains unclear.